The following is an entry in ClinVar:

ClinVar aggregate classification (germline): Uncertain significance (1 of 4 stars; one submission).

Allele frequency attached by ClinVar (database versions not stated): ExAC 0.00001.
gnomAD v4.1: 9 of 1,614,194 alleles (0.00056%); highest among the groups gnomAD compares: South Asian, 0.0022%; no homozygotes.

Submission:

Labcorp Genetics (formerly Invitae), Labcorp
Classification: Uncertain significance. Last evaluated: 2023-01-16. Review status: criteria provided, single submitter. Criteria: Invitae Variant Classification Sherloc (09022015). Collection method: clinical testing. Allele origin: germline.
Comment: In summary, the available evidence is currently insufficient to determine the role of this variant in disease. Therefore, it has been classified as a Variant of Uncertain Significance. Advanced modeling of protein sequence and biophysical properties (such as structural, functional, and spatial information, amino acid conservation, physicochemical variation, residue mobility, and thermodynamic stability) performed at Invitae indicates that this missense variant is expected to disrupt DEAF1 protein function. This variant has not been reported in the literature in individuals affected with DEAF1-related conditions. This variant is present in population databases (rs201600076, gnomAD 0.006%). This sequence change replaces arginine, which is basic and polar, with glutamine, which is neutral and polar, at codon 261 of the DEAF1 protein (p.Arg261Gln).

NM_021008.4(DEAF1):c.782G>A (p.Arg261Gln)

Gene: DEAF1 (DEAF1 transcription factor; minus strand). Cytogenetic location: 11p15.5.
Variant type: single nucleotide variant.
Coding change: c.782G>A on transcript NM_021008.4 (MANE Select); coding-DNA position 782, G replaced by A.
Protein change: p.Arg261Gln; replaces arginine 261 with glutamine.
Molecular consequence: missense variant. On other transcripts: intron variant (1).
Genome position (GRCh38, 1-based): chr11:686,880, C>T on the plus strand (G>A on the coding strand, the complement: DEAF1 is on the minus strand). VCF-style: chr11-686880-C-T. GRCh37 (hg19) VCF-style: chr11-686880-C-T.
Other names: c.56G>A, p.Arg19Gln (NM_001367390.1, NM_001440885.1, NM_001440886.1 and 1 more transcripts); c.782G>A, p.Arg261Gln (NM_001440883.1, NM_001440884.1); c.664+1031G>A (NM_001293634.2); short protein forms R19Q, R261Q.
Identifiers: ClinVar variation 2699133 (VCV002699133.3), dbSNP rs201600076, ClinGen allele CA5786436.